The following is an entry in ClinVar:

NM_001394998.1(TANC2):c.4925C>G (p.Ser1642Cys)

Gene: TANC2 (tetratricopeptide repeat, ankyrin repeat and coiled-coil containing 2; plus strand). Cytogenetic location: 17q23.3.
Variant type: single nucleotide variant.
Coding change: c.4925C>G on transcript NM_001394998.1 (MANE Select); coding-DNA position 4925, C replaced by G.
Protein change: p.Ser1642Cys; replaces serine 1642 with cysteine.
Molecular consequence: missense variant.
Genome position (GRCh38, 1-based): chr17:63,420,655, C>G. VCF-style: chr17-63420655-C-G. GRCh37 (hg19) VCF-style: chr17-61498016-C-G.
Other names: c.4703C>G, p.Ser1568Cys (NM_001411076.1); c.4673C>G, p.Ser1558Cys (NM_025185.4); short protein forms S1558C, S1568C, S1642C.
Identifiers: ClinVar variation 2648066 (VCV002648066.24), dbSNP rs2510597104, ClinGen allele CA400543077.

ClinVar aggregate classification (germline): Uncertain significance (1 of 4 stars; one submission).

Submission:

CeGaT Center for Human Genetics Tuebingen
Classification: Uncertain significance. Last evaluated: 2022-06-01. Review status: criteria provided, single submitter. Criteria: CeGaT Center For Human Genetics Tuebingen Variant Classification Criteria Version 2. Collection method: clinical testing. Allele origin: germline. Affected: yes. Observed: 1 variant allele.
Comment: TANC2: PM2